The following is an entry in ClinVar:

ClinVar aggregate classification (germline): Likely benign. Review status: criteria provided, multiple submitters, no conflicts (2 of 4 stars). 2 submissions from 2 submitters: Likely benign (2). Last evaluated 2026-02-25.

Conditions:
COL2A1-related disorder. Also called: COL2A1-related condition; COL2A1-related disorders.

Submissions (2):

PreventionGenetics, part of Exact Sciences
Classification: Likely benign for COL2A1-related condition. Last evaluated: 2026-02-25. Review status: criteria provided, single submitter. Criteria: ACMG Guidelines, 2015. Collection method: clinical testing. Allele origin: germline.
Comment: This variant is classified as likely benign based on ACMG/AMP sequence variant interpretation guidelines (Richards et al. 2015 PMID: 25741868, with internal and published modifications).

Labcorp Genetics (formerly Invitae), Labcorp
Classification: Likely benign. Last evaluated: 2024-12-26. Review status: criteria provided, single submitter. Criteria: Invitae Variant Classification Sherloc (09022015). Collection method: clinical testing. Allele origin: germline.

NM_001844.5(COL2A1):c.2490C>G (p.Pro830=)

Gene: COL2A1 (collagen type II alpha 1 chain; minus strand). Cytogenetic location: 12q13.11.
Variant type: single nucleotide variant.
Coding change: c.2490C>G on transcript NM_001844.5 (MANE Select); coding-DNA position 2490, C replaced by G.
Protein change: p.Pro830=; no amino-acid change (proline 830 retained).
Molecular consequence: synonymous variant.
Genome position (GRCh38, 1-based): chr12:47,980,942, G>C on the plus strand (C>G on the coding strand, the complement: COL2A1 is on the minus strand). VCF-style: chr12-47980942-G-C. GRCh37 (hg19) VCF-style: chr12-48374725-G-C.
Other names: c.2283C>G, p.Pro761= (NM_033150.3); c.2490C>G (NM_001844.4).
Identifiers: ClinVar variation 3659777 (VCV003659777.3).